The following is an entry in ClinVar:

ClinVar aggregate classification (germline): Likely pathogenic (1 of 4 stars; one submission).

Conditions:
Developmental delay with variable intellectual disability and dysmorphic facies. Identifiers: MedGen C5774242, MONDO:0859306, OMIM 620098.

Submission:

3billion
Classification: Likely pathogenic for Developmental delay with variable intellectual disability and dysmorphic facies. Last evaluated: 2023-02-23. Review status: criteria provided, single submitter. Criteria: ACMG Guidelines, 2015. Collection method: clinical testing. Allele origin: unknown. Affected: yes.
Comment: The variant is not observed in the gnomAD v2.1.1 dataset. This variant was predicted to alter splicing and result in a loss or disruption of normal protein function. Multiple pathogenic loss-of-function variants are reported downstream of the variant. Therefore, this variant is classified as Likely pathogenic according to the recommendation of ACMG/AMP guideline.

NM_004973.4(JARID2):c.1945+1G>A

Gene: JARID2 (jumonji and AT-rich interaction domain containing 2; plus strand). Cytogenetic location: 6p22.3.
Variant type: single nucleotide variant.
Coding change: c.1945+1G>A on transcript NM_004973.4 (MANE Select); the canonical splice donor site of the intron after coding-DNA position 1945, G replaced by A.
Molecular consequence: splice donor variant.
Genome position (GRCh38, 1-based): chr6:15,497,171, G>A. VCF-style: chr6-15497171-G-A. GRCh37 (hg19) VCF-style: chr6-15497402-G-A.
Other names: c.1429+1G>A (NM_001267040.1).
Identifiers: ClinVar variation 2444119 (VCV002444119.1), dbSNP rs2533091746, ClinGen allele CA362797303.
Genomic context (GRCh38, chr6:15,497,171, plus strand): 5'-CCTGCATCAAGAAGCACCTCAAATCTCAGGGCATCACCATGGACGAGCTCCCGCTCATAG[G>A]TAGGTCTGGGCGGGGGGTCAGGGGGTGGTGCCTGCCCTCCTGCCCCCAGATCCCTGCAGT-3'